The following is an entry in ClinVar:

NC_000020.10:g.(?_62062673)_(62065276_?)dup

Gene: KCNQ2 (potassium voltage-gated channel subfamily Q member 2; minus strand). Cytogenetic location: 20q13.33.
Variant type: Duplication.
Identifiers: ClinVar variation 2427480 (VCV002427480.4).

ClinVar aggregate classification (germline): Likely pathogenic (1 of 4 stars; one submission).

Conditions:
Developmental and epileptic encephalopathy. Identifiers: MedGen C5779964, MONDO:0100620.

Submission:

Labcorp Genetics (formerly Invitae), Labcorp
Classification: Likely pathogenic for Early-infantile DEE. Last evaluated: 2022-07-14. Review status: criteria provided, single submitter. Criteria: Invitae Variant Classification Sherloc (09022015). Collection method: clinical testing. Allele origin: germline.
Comment: In summary, the currently available evidence indicates that the variant is pathogenic, but additional data are needed to prove that conclusively. Therefore, this variant has been classified as Likely Pathogenic. This variant has not been reported in the literature in individuals affected with KCNQ2-related conditions. This variant results in a copy number gain of the genomic region encompassing exon(s) 8-9 of the KCNQ2 gene. While the exact position of this variant cannot be determined from the data, sub-genic copy number gains are generally in tandem (PMID: 25640679). This variant is predicted to be out-of-frame, and may result in an absent or disrupted protein product. Loss-of-function variants in KCNQ2 are known to be pathogenic (PMID: 14534157, 23692823, 27779742).

Literature cited by the submitters: PubMed 25640679; PubMed 14534157; PubMed 23692823; PubMed 27779742.